The following is an entry in ClinVar:

NM_001080449.3(DNA2):c.74+136C>T

Gene: DNA2 (DNA replication helicase/nuclease 2; minus strand). Cytogenetic location: 10q21.3.
Variant type: single nucleotide variant.
Coding change: c.74+136C>T on transcript NM_001080449.3 (MANE Select); 136 bases into the intron after coding-DNA position 74, C replaced by T.
Molecular consequence: intron variant.
Genome position (GRCh38, 1-based): chr10:68,471,655, G>A on the plus strand (C>T on the coding strand, the complement: DNA2 is on the minus strand). VCF-style: chr10-68471655-G-A. GRCh37 (hg19) VCF-style: chr10-70231412-G-A.
Identifiers: ClinVar variation 676250 (VCV000676250.1), dbSNP rs11818335, ClinGen allele CA13245840.

ClinVar aggregate classification (germline): Benign (1 of 4 stars; one submission).

Allele frequency attached by ClinVar (database versions not stated): gnomAD 0.11163 and 0.11741; TOPMed 0.11900; 1000 Genomes Project 30x 0.16537; 1000 Genomes Project 0.16773.
gnomAD v4.1: 112,033 of 1,090,694 alleles (10%); highest among the groups gnomAD compares: South Asian, 24%; 6,930 homozygotes.

Submission:

GeneDx
Classification: Benign. Last evaluated: 2018-06-14. Review status: criteria provided, single submitter. Criteria: GeneDx Variant Classification (06012015). Collection method: clinical testing. Allele origin: germline. Affected: yes.
Comment: This variant is considered likely benign or benign based on one or more of the following criteria: it is a conservative change, it occurs at a poorly conserved position in the protein, it is predicted to be benign by multiple in silico algorithms, and/or has population frequency not consistent with disease.